The following is an entry in ClinVar:

NM_006031.6(PCNT):c.9011G>C (p.Trp3004Ser)

Gene: PCNT (pericentrin; plus strand). Cytogenetic location: 21q22.3.
Variant type: single nucleotide variant.
Coding change: c.9011G>C on transcript NM_006031.6 (MANE Select); coding-DNA position 9011, G replaced by C.
Protein change: p.Trp3004Ser; replaces tryptophan 3004 with serine.
Molecular consequence: missense variant.
Genome position (GRCh38, 1-based): chr21:46,436,993, G>C. VCF-style: chr21-46436993-G-C. GRCh37 (hg19) VCF-style: chr21-47856906-G-C.
Other names: c.8420G>C, p.Trp2807Ser (NM_001315529.2); short protein forms W3004S, W2807S.
Identifiers: ClinVar variation 4988599 (VCV004988599.1).

ClinVar aggregate classification (germline): Uncertain significance (1 of 4 stars; one submission).

Conditions:
PCNT-related disorder. Also called: PCNT-related condition.

gnomAD v4.1: 3 of 1,613,538 alleles (0.00019%); highest among the groups gnomAD compares: Non-Finnish European, 0.00017%; no homozygotes.

Submission:

PreventionGenetics, part of Exact Sciences
Classification: Uncertain significance for PCNT-related condition. Last evaluated: 2026-02-17. Review status: criteria provided, single submitter. Criteria: ACMG Guidelines, 2015. Collection method: clinical testing. Allele origin: germline.
Comment: The PCNT c.9011G>C variant is predicted to result in the amino acid substitution p.Trp3004Ser. To our knowledge, this variant has not been reported in the literature or in a large population database (gnomAD), indicating this variant is rare. At this time, the clinical significance of this variant is uncertain due to the absence of conclusive functional and genetic evidence.